The following is an entry in ClinVar:

NM_000687.4(AHCY):c.841A>G (p.Ile281Val)

Gene: AHCY (adenosylhomocysteinase; minus strand). Cytogenetic location: 20q11.22.
Variant type: single nucleotide variant.
Coding change: c.841A>G on transcript NM_000687.4 (MANE Select); coding-DNA position 841, A replaced by G.
Protein change: p.Ile281Val; replaces isoleucine 281 with valine.
Molecular consequence: missense variant.
Genome position (GRCh38, 1-based): chr20:34,290,564, T>C on the plus strand (A>G on the coding strand, the complement: AHCY is on the minus strand). VCF-style: chr20-34290564-T-C. GRCh37 (hg19) VCF-style: chr20-32878370-T-C.
Other names: c.757A>G, p.Ile253Val (NM_001161766.2, NM_001322084.2, NM_001322085.2); c.847A>G, p.Ile283Val (NM_001322086.2); c.841A>G, p.Ile281Val (NM_001362750.2); short protein forms I281V, I283V, I253V.
Identifiers: ClinVar variation 2021833 (VCV002021833.4), dbSNP rs1295663875, ClinGen allele CA408657019.
Genomic context (GRCh38, chr20:34,290,564, plus strand): 5'-CTCTGCCCTCCTCCCTCACTCCCCGGGACCCCCCATCTGGCACCTACCGGCCAAGGATGA[T>C]GTCAATACAGCCTGTGGTGGTGACAAAGATGTTGCCCTCCTGACAGGCCTCATCCATGGT-3'
Protein context (NP_000678.1, residues 271-291): IFVTTTGCID[Ile281Val]ILGRHFEQMK

ClinVar aggregate classification (germline): Uncertain significance (1 of 4 stars; one submission).

Conditions:
Hypermethioninemia with deficiency of S-adenosylhomocysteine hydrolase. Identifiers: Orphanet 88618, MedGen C3151058, MONDO:0013404, OMIM 613752.

Allele frequency attached by ClinVar (database versions not stated): gnomAD exomes below 0.00001; TOPMed below 0.00001; gnomAD 0.00001.
gnomAD v4.1: 3 of 1,614,074 alleles (0.00019%); highest among the groups gnomAD compares: Non-Finnish European, 0.00025%; no homozygotes.

Submission:

Labcorp Genetics (formerly Invitae), Labcorp
Classification: Uncertain significance for Hypermethioninemia with deficiency of S-adenosylhomocysteine hydrolase. Last evaluated: 2023-07-10. Review status: criteria provided, single submitter. Criteria: Invitae Variant Classification Sherloc (09022015). Collection method: clinical testing. Allele origin: germline.
Comment: This sequence change replaces isoleucine, which is neutral and non-polar, with valine, which is neutral and non-polar, at codon 281 of the AHCY protein (p.Ile281Val). In summary, the available evidence is currently insufficient to determine the role of this variant in disease. Therefore, it has been classified as a Variant of Uncertain Significance. Advanced modeling of protein sequence and biophysical properties (such as structural, functional, and spatial information, amino acid conservation, physicochemical variation, residue mobility, and thermodynamic stability) performed at Invitae indicates that this missense variant is not expected to disrupt AHCY protein function. ClinVar contains an entry for this variant (Variation ID: 2021833). This variant has not been reported in the literature in individuals affected with AHCY-related conditions. This variant is not present in population databases (gnomAD no frequency).